The following continues an entry in ClinVar:

NM_003172.4(SURF1):c.845_846del (p.Ser282fs)

Gene: SURF1. ClinVar aggregate classification (germline): Pathogenic. Pathogenic (20).

Submissions 14 to 22 of 22:

Institute of Human Genetics Munich, TUM University Hospital
Classification: Pathogenic for Leigh syndrome. Last evaluated: 2018-01-12. Review status: criteria provided, single submitter. Criteria: Classification criteria August 2017. Collection method: clinical testing. Allele origin: inherited, germline. Inheritance: Autosomal recessive inheritance. Affected: yes. Observed: 1 compound heterozygote, 1 homozygote.

Centre for Mendelian Genomics, University Medical Centre Ljubljana
Classification: Pathogenic for Abnormal pyramidal sign; Ataxia; Dysarthria; Muscle weakness. Last evaluated: 2017-01-01. Review status: criteria provided, single submitter. Criteria: ACMG Guidelines, 2015. Collection method: clinical testing. Allele origin: unknown. Affected: yes.

Women's Health and Genetics/Laboratory Corporation of America, LabCorp
Classification: Pathogenic for Leigh syndrome. Last evaluated: 2016-10-06. Review status: criteria provided, single submitter. Criteria: LabCorp Variant Classification Summary - May 2015. Collection method: clinical testing. Allele origin: germline.
Comment: Variant summary: The SURF1 c.845_846delCT (p.Ser282Cysfs) variant results in a premature termination codon, predicted to cause a truncated or absent SURF1 protein due to nonsense mediated decay, which are commonly known mechanisms for disease. One in silico tool predicts a damaging outcome for this variant. This variant was found in 19/120666 control chromosomes at a frequency of 0.0001575, which does not exceed the estimated maximal expected allele frequency of a pathogenic SURF1 variant (0.0017678). The variant has been reported in numerous affected individuals in the literature, both in the homozygous and compound heterozygous state. In addition, multiple clinical diagnostic laboratories/reputable databases classified this variant as pathogenic. Taken together, this variant is classified as pathogenic.

Eurofins Ntd Llc (ga)
Classification: Pathogenic. Last evaluated: 2016-09-02. Review status: criteria provided, single submitter. Criteria: EGL Classification Definitions 2015. Collection method: clinical testing. Allele origin: germline. Observed: 1 variant allele, 1 heterozygote.

Genetic Services Laboratory, University of Chicago
Classification: Pathogenic for Leigh syndrome due to COX IV deficiency; Charcot-Marie-Tooth disease, type 4K. Last evaluated: 2016-07-29. Review status: criteria provided, single submitter. Criteria: ACMG Guidelines, 2015. Collection method: clinical testing. Allele origin: germline. Affected: yes.

Centre for Mendelian Genomics, University Medical Centre Ljubljana
Classification: Pathogenic for Leigh syndrome. Last evaluated: 2016-01-01. Review status: criteria provided, single submitter. Criteria: ACMG Guidelines, 2015. Collection method: clinical testing. Allele origin: unknown. Affected: yes.
Comment: This variant was classified as: Pathogenic.

Institute for Genomic Statistics and Bioinformatics, University Hospital Bonn
Classification: Pathogenic for Mitochondrial complex IV deficiency, nuclear type 1. Review status: criteria provided, single submitter. Criteria: ACMG Guidelines, 2015. Collection method: clinical testing. Allele origin: germline. Inheritance: Autosomal recessive inheritance. Affected: yes. Observed: 1 homozygote.
Comment: Evaluation: The homozygous deletion of the 2 bases AG at position 136218825 on Chr 9 was is covered with 155 reads and is found in 90% of the reads. This variant leads to a shift of the reading frame from position 282 followed by a stop codon after nine amino acids. To bioinformatic prediction, this variant leads to the loss of function of SURF1 and is therefore classified as pathogenic. This variant is classified according to ACMG guidelines are also classified as pathogenic. Classification according to ACMG guidelines of c.845_846delCT: - PVS1: The variant leads to a loss of function of the gene or gene product . - PM2: The variant was only tested with a very low frequency in population genetic studies. (like GnomAD, Iranome, GME, 1kGP, etc.) identified, and not in homozygous state observed. - PM3: The variant is homozygous in a recessively inherited disease. - PP3: Bioinformatic prediction programs such as GERP and MutationTaster grade this variant as pathogenic. - PP5: In ClinVar this variant is classified as pathogenic: Clinvar/RCV000331329/ The SURF1 gene encodes part of the assembly factor of the mitochondrial complex IV (COX), which is found in of the inner mitochondrial membrane and is involved in the biogenesis of cytochrome C oxidase complex is involved. Mutations in SURF1 (MIM#185620) are observed in patients with the recessively inherited nuclear mitochondrial complexes IV deficiency, type 1 (MIM#220110), which has been clinically described as Leigh Syndrome can manifest. In a review by Wedatilake et al (2013), a patient (27) with developmental delay hypotension, poor food intake, failure to thrive (poor weight gain) and developmental regression and respiratory insufficiency, which has the same variant (c.845_846delCT) in compound heterozygosity with a splice mutation.

PreventionGenetics, part of Exact Sciences
Classification: Pathogenic for SURF1-related condition. Last evaluated: 2023-12-29. Review status: no assertion criteria provided. Collection method: clinical testing. Allele origin: germline. Not counted in ClinVar's aggregate classification.
Comment: The SURF1 c.845_846delCT variant is predicted to result in a frameshift and premature protein termination (p.Ser282Cysfs*9). This variant, which is found at elevated frequencies in eastern European Slavic populations, has been reported in the compound heterozygous and homozygous states in many individuals with Leigh syndrome (Tiranti et al. 1998. PubMed ID: 9837813; Böhm et al. 2006. PubMed ID: 16326995; Lee et al. 2012. PubMed ID: 22488715; Lee et al. 2020. PubMed ID: 32020600; van der Ven et al. 2021. PubMed ID: 34490615; Kistol et al. 2023. PubMed ID: 36675121) and has been shown to co-segregate with disease in several affected families (Piekutowska-Abramczuk et al. 2009. PubMed ID: 19780766). Additionally, cultured fibroblasts and muscle cells from a homozygous individual were reported to only retain ~10% residual cytochrome oxidase activity (Tiranti et al. 1998. PubMed ID: 9837813). This variant is reported in 0.015% of alleles in individuals of European (Non-Finnish) descent in gnomAD. Frameshift variants in SURF1 are expected to be pathogenic. This variant is interpreted as pathogenic.

OMIM
Classification: Pathogenic for MITOCHONDRIAL COMPLEX IV DEFICIENCY, NUCLEAR TYPE 1. Last evaluated: 1998-12-01. Review status: no assertion criteria provided. Collection method: literature only. Allele origin: germline. Not counted in ClinVar's aggregate classification.

Literature cited by the submitters: PubMed 9837813 (cited by 3 submitters); PubMed 16326995 (cited by Labcorp Genetics (formerly Invitae), Labcorp and Women's Health and Genetics/Laboratory Corporation of America, LabCorp); PubMed 18583168 (cited by Labcorp Genetics (formerly Invitae), Labcorp and Women's Health and Genetics/Laboratory Corporation of America, LabCorp); PubMed 22488715 (cited by Labcorp Genetics (formerly Invitae), Labcorp and 3billion); PubMed 23829769 (cited by Labcorp Genetics (formerly Invitae), Labcorp); PubMed 19780766 (cited by Ambry Genetics); PubMed 9843204 (cited by OMIM).